The following is an entry in ClinVar:

NM_001048174.2(MUTYH):c.1102+5_1102+12del

Gene: MUTYH (mutY DNA glycosylase; minus strand). Cytogenetic location: 1p34.1.
Variant type: Deletion.
Coding change: c.1102+5_1102+12del on transcript NM_001048174.2 (MANE Select); bases 5 to 12 of the intron after coding-DNA position 1102, 8 bases deleted (CTGGATAC; older notation c.1102+5_1102+12delCTGGATAC).
Molecular consequence: splice donor variant.
Genome position (GRCh38, 1-based): chr1:45,331,649-45,331,656, GTATCCAG deleted on the plus strand (CTGGATAC on the coding strand, the reverse complement: MUTYH is on the minus strand); deleting any 8 consecutive bases within chr1:45,331,649-45,331,659 gives the same sequence; the c. name uses the placement nearest the transcript's 3' end. VCF-style (leftmost placement, unchanged base first): chr1-45331648-AGTATCCAG-A. GRCh37 (hg19) VCF-style: chr1-45797320-AGTATCCAG-A.
Other names: c.1102+5_1102+12del (NM_001407072.1, NM_001407073.1, NM_001048171.2 and 6 more transcripts); c.757+5_757+12del (NM_001350651.2, NM_001350650.2, NM_001407082.1); c.826+5_826+12del (NM_001293192.2, NM_001293196.2, NM_001407091.1); c.1147+5_1147+12del (NM_001293190.2); c.1135+5_1135+12del (NM_001407069.1, NM_001407077.1, NM_001293191.2); c.1177+5_1177+12del (NM_012222.3); c.1186+5_1186+12del (NM_001128425.2); c.1105+5_1105+12del (NM_001407071.1, NM_001048172.2, NM_001407078.1 and 1 more transcripts); and 5 more.
Identifiers: ClinVar variation 2567630 (VCV002567630.2), dbSNP rs2523986406, ClinGen allele CA2580611167.

ClinVar aggregate classification (germline): Uncertain significance (1 of 4 stars; one submission).

Conditions:
Hereditary cancer-predisposing syndrome. Also called: Hereditary neoplastic syndrome; Hereditary Cancer Syndrome; Neoplastic Syndromes, Hereditary; Tumor predisposition. Identifiers: Orphanet 140162, MedGen C0027672, MeSH D009386, MONDO:0015356.

Submission:

Ambry Genetics
Classification: Uncertain significance for Hereditary cancer-predisposing syndrome. Last evaluated: 2023-03-16. Review status: criteria provided, single submitter. Criteria: Ambry Variant Classification Scheme 2023. Collection method: clinical testing. Allele origin: germline.
Comment: The c.1186+5_1186+12delCTGGATAC intronic variant, located in intron 12 of the MUTYH gene, results from a deletion of 8 nucleotides within intron 12 of the MUTYH gene. These nucleotide positions are not well conserved in available vertebrate species. In silico splice site analysis for this alteration is inconclusive; however, direct evidence is insufficient at this time (Ambry internal data). Since supporting evidence is limited at this time, the clinical significance of this alteration remains unclear.